The following is an entry in ClinVar:

NM_006073.4(TRDN):c.680A>G (p.Gln227Arg)

Gene: TRDN (triadin; minus strand). Cytogenetic location: 6q22.31.
Variant type: single nucleotide variant.
Coding change: c.680A>G on transcript NM_006073.4 (MANE Select); coding-DNA position 680, A replaced by G.
Protein change: p.Gln227Arg; replaces glutamine 227 with arginine.
Molecular consequence: missense variant.
Genome position (GRCh38, 1-based): chr6:123,503,832, T>C on the plus strand (A>G on the coding strand, the complement: TRDN is on the minus strand). VCF-style: chr6-123503832-T-C. GRCh37 (hg19) VCF-style: chr6-123824977-T-C.
Other names: c.680A>G, p.Gln227Arg (NM_001251987.2, NM_001256020.2, NM_001256021.2 and 1 more transcripts); short protein forms Q227R.
Identifiers: ClinVar variation 4615243 (VCV004615243.2).

ClinVar aggregate classification (germline): Uncertain significance. Review status: criteria provided, multiple submitters, no conflicts (2 of 4 stars). 2 submissions from 2 submitters: Uncertain significance (2). Last evaluated 2025-11-02.

Conditions:
Cardiovascular phenotype. Identifiers: MedGen CN230736.
Catecholaminergic polymorphic ventricular tachycardia 1. Also called: RYR2-Related Catecholaminergic Polymorphic Ventricular Tachycardia; VENTRICULAR TACHYCARDIA, STRESS-INDUCED POLYMORPHIC 1; VENTRICULAR TACHYCARDIA, CATECHOLAMINERGIC POLYMORPHIC, 1, WITH OR WITHOUT ATRIAL DYSFUNCTION AND/OR DILATED CARDIOMYOPATHY. Identifiers: Orphanet 3286, MedGen C1631597, MONDO:0011484, OMIM 604772.

gnomAD v4.1: 2 of 1,606,440 alleles (0.00012%); highest among the groups gnomAD compares: African/African-American, 0.0027%; no homozygotes.

Submissions (2):

Ambry Genetics
Classification: Uncertain significance for Cardiovascular phenotype. Last evaluated: 2025-11-02. Review status: criteria provided, single submitter. Criteria: Ambry Variant Classification Scheme 2023. Collection method: clinical testing. Allele origin: germline.
Comment: The p.Q227R variant (also known as c.680A>G), located in coding exon 8 of the TRDN gene, results from an A to G substitution at nucleotide position 680. The glutamine at codon 227 is replaced by arginine, an amino acid with highly similar properties. This amino acid position is conserved. In addition, this alteration is predicted to be tolerated by in silico analysis. Based on the available evidence, the clinical significance of this variant remains unclear.

Labcorp Genetics (formerly Invitae), Labcorp
Classification: Uncertain significance for Catecholaminergic polymorphic ventricular tachycardia 1. Last evaluated: 2025-08-29. Review status: criteria provided, single submitter. Criteria: Invitae Variant Classification Sherloc (09022015). Collection method: clinical testing. Allele origin: germline.
Comment: This sequence change replaces glutamine, which is neutral and polar, with arginine, which is basic and polar, at codon 227 of the TRDN protein (p.Gln227Arg). This variant is not present in population databases (gnomAD no frequency). This variant has not been reported in the literature in individuals affected with TRDN-related conditions. Invitae Evidence Modeling of protein sequence and biophysical properties (such as structural, functional, and spatial information, amino acid conservation, physicochemical variation, residue mobility, and thermodynamic stability) indicates that this missense variant is not expected to disrupt TRDN protein function with a negative predictive value of 80%. In summary, the available evidence is currently insufficient to determine the role of this variant in disease. Therefore, it has been classified as a Variant of Uncertain Significance.